The following is an entry in ClinVar:

ClinVar aggregate classification (germline): Uncertain significance. Review status: reviewed by expert panel (3 of 4 stars). 2 submissions from 2 submitters: Uncertain significance (1). 1 of the submissions does not count toward it. Last evaluated 2025-10-03.

Conditions:
Hereditary factor IX deficiency disease (HEMB). Also called: F9 DEFICIENCY; FACTOR IX DEFICIENCY; Hemophilia B; PLASMA THROMBOPLASTIN COMPONENT DEFICIENCY; Christmas Disease. Identifiers: Orphanet 98879, MedGen C0008533, MeSH D002836, MONDO:0010604, OMIM 306900.

Submissions (2):

ClinGen Coagulation Factor Deficiency Variant Curation Expert Panel, Clingen
Classification: Uncertain significance for Hereditary factor IX deficiency disease. Last evaluated: 2025-10-03. Review status: reviewed by expert panel. Criteria: ClinGen CoagFactor ACMG Specifications F9 V1.0.0. Collection method: curation. Allele origin: germline.
Comment: The c.804T>G (NM_000133.4) variant in F9 is a missense variant predicted to cause substitution of cysteine by tryptophan at amino acid 268 (p.Cys268Trp). This variant is absent from males in population databases (gnomAD v2.1.1/gnomAD v3.1/ gnomAD v4.1.0), meeting PM2_Supporting. This variant has been previously reported in a patient with hemophilia B (PS4_Supporting - PMID: 2773937). An additional proband with hemophilia B has been reported in the EAHAD Factor IX (F9) variant database, however this individual is not included in PS4 counting as no phenotypic information was provided. The computational predictor REVEL gives a score of 0.828, which is above the threshold of 0.6, evidence that correlates with impact to F9 function (PP3). A different missense variant causing a change at the same residue (p.Cys268Tyr) has been established as pathogenic for F9 and SpliceAI predicts no impact on splicing (PM5). In summary, based on the evidence available at this time, the clinical significance of this variant is uncertain. PS4_Supporting + PM2_Supporting + PP3 + PM5. (ClinGen Coagulation Factor Deficiency Expert Panel Specifications to the ACMG/AMP Variant Interpretation Guidelines for F9 Version 1.0.0., Released 10/5/2023).

OMIM
Classification: Pathogenic for HEMOPHILIA B. Last evaluated: 1989-09-01. Review status: no assertion criteria provided. Collection method: literature only. Allele origin: germline. Not counted in ClinVar's aggregate classification.

Literature cited by the submitters: PubMed 2773937 (cited by OMIM).

NM_000133.4(F9):c.804T>G (p.Cys268Trp)

Gene: F9 (coagulation factor IX; plus strand). Cytogenetic location: Xq27.1.
Variant type: single nucleotide variant.
Coding change: c.804T>G on transcript NM_000133.4 (MANE Select); coding-DNA position 804, T replaced by G.
Protein change: p.Cys268Trp; replaces cysteine 268 with tryptophan.
Molecular consequence: missense variant.
Genome position (GRCh38, 1-based): chrX:139,560,821, T>G. VCF-style: chrX-139560821-T-G. GRCh37 (hg19) VCF-style: chrX-138642980-T-G.
Other names: F9, CYS222TRP; C222W; NM_000133.4(F9):c.804T>G; c.690T>G, p.Cys230Trp (NM_001313913.2); short protein forms C268W, C230W.
Identifiers: ClinVar variation 10599 (VCV000010599.2), dbSNP rs137852246, ClinGen allele CA255363.